The following is an entry in ClinVar:

ClinVar aggregate classification (germline): Uncertain significance. Review status: criteria provided, multiple submitters, no conflicts (2 of 4 stars). 2 submissions from 2 submitters: Uncertain significance (2). Last evaluated 2026-09-23.

Conditions:
TUB-related disorder. Also called: TUB-related condition.

Allele frequency attached by ClinVar (database versions not stated): TOPMed 0.00002.
gnomAD v4.1: 4 of 1,611,494 alleles (0.00025%); highest among the groups gnomAD compares: African/African-American, 0.0013%; no homozygotes.

Submissions (2):

PreventionGenetics, part of Exact Sciences
Classification: Uncertain significance for TUB-related condition. Last evaluated: 2026-09-23. Review status: criteria provided, single submitter. Criteria: ACMG Guidelines, 2015. Collection method: clinical testing. Allele origin: germline.
Comment: The TUB c.683G>A variant is predicted to result in the amino acid substitution p.Gly228Asp. To our knowledge, this variant has not been reported in the literature. This variant is reported in 0.0018% of alleles in individuals of European (non-Finnish) descent in gnomAD. At this time, the clinical significance of this variant is uncertain due to the absence of conclusive functional and genetic evidence.

Labcorp Genetics (formerly Invitae), Labcorp
Classification: Uncertain significance. Last evaluated: 2022-03-05. Review status: criteria provided, single submitter. Criteria: Invitae Variant Classification Sherloc (09022015). Collection method: clinical testing. Allele origin: germline.
Comment: This sequence change replaces glycine, which is neutral and non-polar, with aspartic acid, which is acidic and polar, at codon 228 of the TUB protein (p.Gly228Asp). This variant is present in population databases (no rsID available, gnomAD 0.002%). In summary, the available evidence is currently insufficient to determine the role of this variant in disease. Therefore, it has been classified as a Variant of Uncertain Significance. Algorithms developed to predict the effect of missense changes on protein structure and function (SIFT, PolyPhen-2, Align-GVGD) all suggest that this variant is likely to be tolerated. This variant has not been reported in the literature in individuals affected with TUB-related conditions.

NM_177972.3(TUB):c.518G>A (p.Gly173Asp)

Genes: RIC3 (RIC3 acetylcholine receptor chaperone; minus strand), TUB (TUB bipartite transcription factor; plus strand). Cytogenetic location: 11p15.4.
Variant type: single nucleotide variant.
Coding change: c.518G>A on transcript NM_177972.3 (MANE Select); coding-DNA position 518, G replaced by A.
Protein change: p.Gly173Asp; replaces glycine 173 with aspartic acid.
Molecular consequence: missense variant.
Genome position (GRCh38, 1-based): chr11:8,095,618, G>A. VCF-style: chr11-8095618-G-A. GRCh37 (hg19) VCF-style: chr11-8117165-G-A.
Other names: c.683G>A (NM_003320.4); c.683G>A, p.Gly228Asp (NM_003320.5); short protein forms G173D, G228D.
Identifiers: ClinVar variation 2107086 (VCV002107086.5), dbSNP rs1359444522, ClinGen allele CA379566504.
Genomic context (GRCh38, chr11:8,095,618, plus strand): 5'-TTCTGACTGTGGGCCAGTCAGACCACGCCCAGGACGCAGGGGAGACGGCAGCTGGTGGGG[G>A]CGAACGGCCCAGCGGGCAGGATCTCCGTGCCACGATGCAGAGGAAGGGTGAGCCCCATGG-3'
Protein context (NP_813977.1, residues 163-183): QDAGETAAGG[Gly173Asp]ERPSGQDLRA